The following is an entry in ClinVar:

NM_001370298.3(FGD4):c.845_846delinsTT (p.Asp282Val)

Gene: FGD4 (FYVE, RhoGEF and PH domain containing 4; plus strand). Cytogenetic location: 12p11.21.
Variant type: Indel.
Coding change: c.845_846delinsTT on transcript NM_001370298.3 (MANE Select); coding-DNA positions 845 to 846, AC replaced by TT.
Protein change: p.Asp282Val; replaces aspartic acid 282 with valine.
Molecular consequence: missense variant. On other transcripts: 5 prime UTR variant (2), non-coding transcript variant (1), intron variant (1).
Genome position (GRCh38, 1-based): chr12:32,582,301-32,582,302, AC replaced by TT. VCF-style: chr12-32582301-AC-TT. GRCh37 (hg19) VCF-style: chr12-32735235-AC-TT.
Other names: c.689_690delACinsTT, p.Asp230Val (NM_001304481.2); c.-411_-410delinsTT (NM_001304483.2); c.-718_-717delinsTT (NM_001304484.2); c.155_156delinsTT, p.Asp52Val (NM_001330373.2, NM_001330374.2, NM_001384130.1); c.845_846delinsTT, p.Asp282Val (NM_001384126.1); c.434_435delinsTT, p.Asp145Val (NM_001384127.1, NM_001384128.1, NM_001384131.1 and 3 more transcripts); c.49-16196_49-16195delinsTT (NM_001370297.1); short protein forms D282V, D230V, D52V, D145V.
Identifiers: ClinVar variation 2177823 (VCV002177823.4), dbSNP rs2540548000, ClinGen allele CA2580085358.
Genomic context (GRCh38, chr12:32,582,301, plus strand): 5'-CGCACATAGTGAATGGAGAAAGAGATGAAACTGCCACAGCTCCTGCATCACCCACAACAG[AC>TT]AGCTGTGATGGAAATGCTTCTGACAGTAGCTACAGGACTCCAGGCATAGGCCCAGTGCTC-3'
Protein context (NP_001357227.2, residues 272-292): TATAPASPTT[Asp282Val]SCDGNASDSS

ClinVar aggregate classification (germline): Uncertain significance (1 of 4 stars; one submission).

Conditions:
Charcot-Marie-Tooth disease type 4. Also called: Charcot-Marie-Tooth disease, type IV; Charcot-Marie-Tooth, Type 4. Identifiers: Orphanet 64749, MedGen C4082197, MONDO:0018995.

Submission:

Labcorp Genetics (formerly Invitae), Labcorp
Classification: Uncertain significance for Charcot-Marie-Tooth disease type 4. Last evaluated: 2022-08-20. Review status: criteria provided, single submitter. Criteria: Invitae Variant Classification Sherloc (09022015). Collection method: clinical testing. Allele origin: germline.
Comment: Information on the frequency of this variant in the gnomAD database is not available, as this variant may be reported differently in the database. This variant has not been reported in the literature in individuals affected with FGD4-related conditions. Algorithms developed to predict the effect of missense changes on protein structure and function are either unavailable or do not agree on the potential impact of this missense change (SIFT: "Not Available"; PolyPhen-2: "Benign"; Align-GVGD: "Not Available"). In summary, the available evidence is currently insufficient to determine the role of this variant in disease. Therefore, it has been classified as a Variant of Uncertain Significance. This sequence change replaces aspartic acid, which is acidic and polar, with valine, which is neutral and non-polar, at codon 145 of the FGD4 protein (p.Asp145Val).